The following is an entry in ClinVar:

ClinVar aggregate classification (germline): Conflicting classifications of pathogenicity. Review status: criteria provided, conflicting classifications (1 of 4 stars). 5 submissions from 5 submitters: Likely pathogenic (3); Uncertain significance (2). Last evaluated 2025-08-14.

Conditions:
Inborn genetic diseases. Identifiers: MedGen C0950123, MeSH D030342.
Mitochondrial complex I deficiency, nuclear type 28. Also called: Mitochondrial complex 1 deficiency, nuclear type 28. Identifiers: MedGen C4748827, MONDO:0032632, OMIM 618249.

Allele frequency attached by ClinVar (database versions not stated): TOPMed 0.00002.
gnomAD v4.1: 63 of 1,613,838 alleles (0.0039%); highest among the groups gnomAD compares: Middle Eastern, 0.066%; no homozygotes.

Submissions (5):

First Genomix Gene Laboratory, Genetic Diagnostics Department
Classification: Likely pathogenic for Mitochondrial complex I deficiency, nuclear type 28. Last evaluated: 2025-08-14. Review status: criteria provided, single submitter. Criteria: ACMG Guidelines, 2015. Collection method: clinical testing. Allele origin: germline. Inheritance: Autosomal recessive inheritance. Affected: no. Observed: 1 variant allele.

Victorian Clinical Genetics Services, Murdoch Childrens Research Institute
Classification: Likely pathogenic for Mitochondrial complex I deficiency, nuclear type 28. Last evaluated: 2024-10-09. Review status: criteria provided, single submitter. Criteria: ACMG Guidelines, 2015. Collection method: clinical testing. Allele origin: germline. Inheritance: Autosomal recessive inheritance. Affected: yes.
Comment: Based on the classification scheme VCGS_Germline_v1.3.4, this variant is classified as Likely pathogenic. Following criteria are met: 0102 - Loss of function is a known mechanism of disease in this gene and is associated with mitochondrial complex I deficiency, nuclear type 28 (MIM#618249) (PMIDs: 25901006, 32722639). (I) 0106 - This gene is associated with autosomal recessive disease. (I) 0200 - Variant is predicted to result in a missense amino acid change from glutamic acid to lysine. (I) 0251 - This variant is heterozygous. (I) 0304 - Variant is present in gnomAD (v4) <0.01 for a recessive condition (63 heterozygotes, 0 homozygotes). (SP) 0309 - An alternative amino acid change at the same position has been observed in gnomAD (v4) (1 heterozygote, 0 homozygotes). (I) 0502 - Missense variant with conflicting in silico predictions and uninformative conservation. (I) 0600 - Variant is located in the annotated GRIM-19 family domain (DECIPHER). (I) 0705 - No comparable missense variants have previous evidence for pathogenicity. (I) 0808 - Previous reports of pathogenicity for this variant are conflicting. This variant has been classified as a VUS twice and as likely pathogenic once by clinical laboratories in ClinVar. (I) 0905 - No published segregation evidence has been identified for this variant. (I) 1002 - This variant has moderate functional evidence supporting abnormal protein function. Proteomic analysis on blood of this compound heterozygous individual showed decreased levels of NDUFA13 and overall abundance of complex I compared to other complexes (MitoMDT consortium). In addition, using NDUFA13 knock out HEK293T cells, transfection of this variant demonstrated a reduction in complex I to 77% compared to WT controls (Biochemistry and Molecular Biology Department, Monash University, Victoria, Australia). (SP) 1201 - Heterozygous variant detected in trans with a second likely pathogenic heterozygous variant (c.170G>A; p.(Arg57His)) in a recessive disease. (I) Legend: (SP) - Supporting pathogenic, (I) - Information, (SB) - Supporting benign

Labcorp Genetics (formerly Invitae), Labcorp
Classification: Uncertain significance. Last evaluated: 2023-12-18. Review status: criteria provided, single submitter. Criteria: Invitae Variant Classification Sherloc (09022015). Collection method: clinical testing. Allele origin: germline.
Comment: This sequence change replaces glutamic acid, which is acidic and polar, with lysine, which is basic and polar, at codon 63 of the NDUFA13 protein (p.Glu63Lys). This variant is present in population databases (rs773496318, gnomAD 0.03%). This variant has not been reported in the literature in individuals affected with NDUFA13-related conditions. ClinVar contains an entry for this variant (Variation ID: 2069279). An algorithm developed to predict the effect of missense changes on protein structure and function (PolyPhen-2) suggests that this variant is likely to be disruptive. In summary, the available evidence is currently insufficient to determine the role of this variant in disease. Therefore, it has been classified as a Variant of Uncertain Significance.

Ambry Genetics
Classification: Uncertain significance for Inborn genetic diseases. Last evaluated: 2023-05-03. Review status: criteria provided, single submitter. Criteria: Ambry Variant Classification Scheme 2023. Collection method: clinical testing. Allele origin: germline.

Watson Genetic Lab
Classification: Likely pathogenic for Mitochondrial complex I deficiency, nuclear type 28. Last evaluated: 2020-02-03. Review status: criteria provided, single submitter. Criteria: ACMG Guidelines, 2015. Collection method: clinical testing. Allele origin: germline. Inheritance: Autosomal recessive inheritance. Affected: yes. Observed: 1 compound heterozygote.

Literature cited by the submitters: PubMed 25901006 (cited by Victorian Clinical Genetics Services, Murdoch Childrens Research Institute); PubMed 32722639 (cited by Victorian Clinical Genetics Services, Murdoch Childrens Research Institute).

NM_015965.7(NDUFA13):c.187G>A (p.Glu63Lys)

Gene: NDUFA13 (NADH:ubiquinone oxidoreductase subunit A13; plus strand). Cytogenetic location: 19p13.11.
Variant type: single nucleotide variant.
Coding change: c.187G>A on transcript NM_015965.7 (MANE Select); coding-DNA position 187, G replaced by A.
Protein change: p.Glu63Lys; replaces glutamic acid 63 with lysine.
Molecular consequence: missense variant.
Genome position (GRCh38, 1-based): chr19:19,527,294, G>A. VCF-style: chr19-19527294-G-A. GRCh37 (hg19) VCF-style: chr19-19638103-G-A.
Other names: p.Glu63Lys; c.187G>A (NM_015965.6); short protein forms E63K.
Identifiers: ClinVar variation 2069279 (VCV002069279.9), dbSNP rs773496318, ClinGen allele CA9327735.